The following is an entry in ClinVar:

ClinVar aggregate classification (germline): Uncertain significance (1 of 4 stars; one submission).

Submission:

Women's Health and Genetics/Laboratory Corporation of America, LabCorp
Classification: Uncertain significance. Last evaluated: 2025-03-10. Review status: criteria provided, single submitter. Criteria: LabCorp Variant Classification Summary - May 2015. Collection method: clinical testing. Allele origin: germline.
Comment: Variant summary: FBN1 c.4766G>A (p.Cys1589Tyr) results in a non-conservative amino acid change in the encoded protein sequence. Cysteine residues are important for FBN1 protein structure. Five of five in-silico tools predict a damaging effect of the variant on protein function. The variant was absent in 251002 control chromosomes. c.4766G>A has been reported in the literature in individuals affected with Marfan Syndrome (example: Lauffer_2022). These data do not allow any conclusion about variant significance. To our knowledge, no experimental evidence demonstrating an impact on protein function has been reported. The following publication has been ascertained in the context of this evaluation (PMID: 36380655). No submitters have cited clinical-significance assessments for this variant to ClinVar. Based on the evidence outlined above, the variant was classified as VUS-possibly pathogenic.

Literature cited by the submitters: PubMed 36380655.

NM_000138.5(FBN1):c.4766G>A (p.Cys1589Tyr)

Gene: FBN1 (fibrillin 1; minus strand). Cytogenetic location: 15q21.1.
Variant type: single nucleotide variant.
Coding change: c.4766G>A on transcript NM_000138.5 (MANE Select); coding-DNA position 4766, G replaced by A.
Protein change: p.Cys1589Tyr; replaces cysteine 1589 with tyrosine.
Molecular consequence: missense variant.
Genome position (GRCh38, 1-based): chr15:48,465,840, C>T on the plus strand (G>A on the coding strand, the complement: FBN1 is on the minus strand). VCF-style: chr15-48465840-C-T. GRCh37 (hg19) VCF-style: chr15-48758037-C-T.
Other names: c.4766G>A, p.Cys1589Tyr (NM_001406716.1); short protein forms C1589Y.
Identifiers: ClinVar variation 3895763 (VCV003895763.1).